The following is an entry in ClinVar:

ClinVar aggregate classification (germline): Benign. Review status: criteria provided, multiple submitters, no conflicts (2 of 4 stars). 4 submissions from 4 submitters: Benign (4). Last evaluated 2025-06-03.

Conditions:
Congenital lactic acidosis, Saguenay-Lac-Saint-Jean type (MC4DN5). Also called: CYTOCHROME c OXIDASE DEFICIENCY, FRENCH CANADIAN TYPE; COX DEFICIENCY, FRENCH CANADIAN TYPE; MITOCHONDRIAL COMPLEX IV DEFICIENCY, NUCLEAR TYPE 5. Identifiers: Orphanet 70472, MedGen C1857355, MONDO:0009069, OMIM 220111.

Allele frequency attached by ClinVar (database versions not stated): gnomAD exomes 0.14277 and 0.14898; ExAC 0.14637; 1000 Genomes Project 0.15715; 1000 Genomes Project 30x 0.16115; gnomAD 0.20275 and 0.21391; TOPMed 0.21356; ESP Exome Variant Server 0.21951.
gnomAD v4.1: 246,270 of 1,594,710 alleles (15%); highest among the groups gnomAD compares: African/African-American, 35%; 22,251 homozygotes.

Submissions (12):

Labcorp Genetics (formerly Invitae), Labcorp
Classification: Benign. Last evaluated: 2025-06-03. Review status: criteria provided, single submitter. Criteria: Invitae Variant Classification Sherloc (09022015). Collection method: clinical testing. Allele origin: germline.

Genome-Nilou Lab
Classification: Benign for Congenital lactic acidosis, Saguenay-Lac-Saint-Jean type. Last evaluated: 2021-07-10. Review status: criteria provided, single submitter. Criteria: ACMG Guidelines, 2015. Collection method: clinical testing. Allele origin: germline. Affected: no.

GeneDx
Classification: Benign. Last evaluated: 2018-06-18. Review status: criteria provided, single submitter. Criteria: GeneDx Variant Classification (06012015). Collection method: clinical testing. Allele origin: germline. Affected: yes.
Comment: This variant is considered likely benign or benign based on one or more of the following criteria: it is a conservative change, it occurs at a poorly conserved position in the protein, it is predicted to be benign by multiple in silico algorithms, and/or has population frequency not consistent with disease.

Breakthrough Genomics
Classification: Benign. Review status: criteria provided, single submitter. Criteria: ACMG Guidelines, 2015. Collection method: not provided. Allele origin: germline. Inheritance: Autosomal recessive inheritance. Affected: yes.

Dr. Peter K. Rogan Lab, Western University
No classification provided (evidence only). Condition: Malignant lymphoma, large B-cell, diffuse. Review status: no classification provided. Collection method: in vitro. Allele origin: not applicable. Functional consequence: retained intron. Not counted in ClinVar's aggregate classification.

Dr. Peter K. Rogan Lab, Western University
No classification provided (evidence only). Condition: Malignant lymphoma, large B-cell, diffuse. Review status: no classification provided. Collection method: in vitro. Allele origin: not applicable. Functional consequence: retained intron. Not counted in ClinVar's aggregate classification.

Dr. Peter K. Rogan Lab, Western University
No classification provided (evidence only). Condition: Malignant lymphoma, large B-cell, diffuse. Review status: no classification provided. Collection method: in vitro. Allele origin: not applicable. Functional consequence: retained intron. Not counted in ClinVar's aggregate classification.

Dr. Peter K. Rogan Lab, Western University
No classification provided (evidence only). Condition: Malignant lymphoma, large B-cell, diffuse. Review status: no classification provided. Collection method: in vitro. Allele origin: not applicable. Functional consequence: retained intron. Not counted in ClinVar's aggregate classification.

Dr. Peter K. Rogan Lab, Western University
No classification provided (evidence only). Condition: Malignant lymphoma, large B-cell, diffuse. Review status: no classification provided. Collection method: in vitro. Allele origin: not applicable. Functional consequence: retained intron. Not counted in ClinVar's aggregate classification.

Dr. Peter K. Rogan Lab, Western University
No classification provided (evidence only). Condition: Uterine carcinosarcoma. Review status: no classification provided. Collection method: in vitro. Allele origin: not applicable. Functional consequence: retained intron. Not counted in ClinVar's aggregate classification.

Dr. Peter K. Rogan Lab, Western University
No classification provided (evidence only). Condition: Uterine carcinosarcoma. Review status: no classification provided. Collection method: in vitro. Allele origin: not applicable. Functional consequence: retained intron. Not counted in ClinVar's aggregate classification.

Dr. Peter K. Rogan Lab, Western University
No classification provided (evidence only). Condition: Uterine carcinosarcoma. Review status: no classification provided. Collection method: in vitro. Allele origin: not applicable. Functional consequence: retained intron. Not counted in ClinVar's aggregate classification.

NM_133259.4(LRPPRC):c.1155+30A>G

Gene: LRPPRC (leucine rich pentatricopeptide repeat containing; minus strand). Cytogenetic location: 2p21.
Variant type: single nucleotide variant.
Coding change: c.1155+30A>G on transcript NM_133259.4 (MANE Select); 30 bases into the intron after coding-DNA position 1155, A replaced by G.
Molecular consequence: intron variant.
Genome position (GRCh38, 1-based): chr2:43,974,120, T>C on the plus strand (A>G on the coding strand, the complement: LRPPRC is on the minus strand). VCF-style: chr2-43974120-T-C. GRCh37 (hg19) VCF-style: chr2-44201259-T-C.
Identifiers: ClinVar variation 671654 (VCV000671654.15), dbSNP rs7593842, ClinGen allele CA1639088.
Genomic context (GRCh38, chr2:43,974,120, plus strand): 5'-CTGGTCTAATCTTATAAATGTTCCTATACTTTAAAGAATCTTATTTCACTGCCAATTACA[T>C]TGTCTACAAAGTAAAAGTGGACAGAATACCGTATTCATAGTCACACAGTGTTGTAAAAAG-3'